The following is an entry in ClinVar:

ClinVar aggregate classification (germline): Uncertain significance (1 of 4 stars; one submission).

Conditions:
Dihydropteridine reductase deficiency (HPABH4C). Also called: BH4-Deficient Hyperphenylalaninemia C; HYPERPHENYLALANINEMIA, TETRAHYDROBIOPTERIN-DEFICIENT, DUE TO DHPR DEFICIENCY; QDPR DEFICIENCY; QUINOID DIHYDROPTERIDINE REDUCTASE DEFICIENCY; Phenylketonuria II; DHPR DEFICIENCY. Identifiers: Orphanet 226, Orphanet 238583, MedGen C0268465, MONDO:0009862, OMIM 261630.

Submission:

Labcorp Genetics (formerly Invitae), Labcorp
Classification: Uncertain significance for Dihydropteridine reductase deficiency. Last evaluated: 2024-11-18. Review status: criteria provided, single submitter. Criteria: Invitae Variant Classification Sherloc (09022015). Collection method: clinical testing. Allele origin: germline.
Comment: This sequence change replaces histidine, which is basic and polar, with leucine, which is neutral and non-polar, at codon 125 of the QDPR protein (p.His125Leu). This variant is present in population databases (rs201283946, gnomAD 0.02%). This variant has not been reported in the literature in individuals affected with QDPR-related conditions. An algorithm developed to predict the effect of missense changes on protein structure and function (PolyPhen-2) suggests that this variant is likely to be disruptive. In summary, the available evidence is currently insufficient to determine the role of this variant in disease. Therefore, it has been classified as a Variant of Uncertain Significance.

NM_000320.3(QDPR):c.374A>T (p.His125Leu)

Gene: QDPR (quinoid dihydropteridine reductase; minus strand). Cytogenetic location: 4p15.32.
Variant type: single nucleotide variant.
Coding change: c.374A>T on transcript NM_000320.3 (MANE Select); coding-DNA position 374, A replaced by T.
Protein change: p.His125Leu; replaces histidine 125 with leucine.
Molecular consequence: missense variant. On other transcripts: non-coding transcript variant (1).
Genome position (GRCh38, 1-based): chr4:17,501,781, T>A on the plus strand (A>T on the coding strand, the complement: QDPR is on the minus strand). VCF-style: chr4-17501781-T-A. GRCh37 (hg19) VCF-style: chr4-17503404-T-A.
Other names: c.281A>T, p.His94Leu (NM_001306140.2); short protein forms H125L, H94L.
Identifiers: ClinVar variation 3625518 (VCV003625518.2).